The following is an entry in ClinVar:

NM_024675.4(PALB2):c.3100_3101insGGATAACTGTAAATCATTCCTTCCTACTTTTTTTTATGAACA (p.Asn1033_Asn1034insArgIleThrValAsnHisSerPheLeuLeuPhePheMetAsn)

Gene: PALB2 (partner and localizer of BRCA2; minus strand). Cytogenetic location: 16p12.2.
Variant type: Insertion.
Coding change: c.3100_3101insGGATAACTGTAAATCATTCCTTCCTACTTTTTTTTATGAACA on transcript NM_024675.4 (MANE Select); coding-DNA positions 3100 to 3101, GGATAACTGTAAATCATTCCTTCCTACTTTTTTTTATGAACA inserted.
Protein change: p.Asn1033_Asn1034insArgIleThrValAsnHisSerPheLeuLeuPhePheMetAsn.
Molecular consequence: inframe insertion.
Genome position: GRCh38: chr16:23,621,383-23,621,384. GRCh37 (hg19): chr16:23,632,704-23,632,705.
Identifiers: ClinVar variation 1008932 (VCV001008932.7), dbSNP rs1966768242, ClinGen allele CA2213409730.

ClinVar aggregate classification (germline): Uncertain significance (1 of 4 stars; one submission).

Conditions:
Familial cancer of breast. Also called: BREAST CANCER, FAMILIAL; Hereditary breast cancer; hereditary breast carcinoma. Identifiers: Orphanet 227535, MedGen C0346153, MONDO:0016419, OMIM 114480. Disease mechanism: loss of function.

Submission:

Labcorp Genetics (formerly Invitae), Labcorp
Classification: Uncertain significance for Familial cancer of breast. Last evaluated: 2016-03-18. Review status: criteria provided, single submitter. Criteria: Invitae Variant Classification Sherloc (09022015). Collection method: clinical testing. Allele origin: germline.
Comment: This sequence change inserts 42 nucleotides in exon 10 of the PALB2 mRNA (c.3100_3101ins42). This leads to the insertion of 14 amino acid residues in the PALB2 protein (p.Asn1033_Asn1034ins14) but otherwise preserves the integrity of the reading frame. This variant is not present in population databases (ExAC no frequency) and has not been reported in the literature in individuals with a PALB2-related disease. Functional studies of this variant have not been reported and the impact that the insertion of these amino acid residues has on PALB2 protein function remains unknown. Algorithms developed to predict the effect of sequence changes on mRNA splicing suggest that this variant may alter mRNA splicing, but this prediction has not been confirmed by published transcriptional studies. In summary, this is a novel in-frame insertion with uncertain impact on protein function and splicing. It has been classified as a Variant of Uncertain Significance.